The following is an entry in ClinVar:

ClinVar aggregate classification (germline): Uncertain significance (1 of 4 stars; one submission).

Conditions:
Autosomal recessive ataxia, Beauce type. Also called: Spinocerebellar ataxia, autosomal recessive 8; ATAXIA, RECESSIVE, OF BEAUCE; SYNE1 Deficiency; SYNE1-Related Autosomal Recessive Cerebellar Ataxia. Identifiers: Orphanet 88644, MedGen C1853116, MONDO:0012549, OMIM 610743.
Emery-Dreifuss muscular dystrophy 4, autosomal dominant (EDMD4). Also called: EMERY-DREIFUSS MUSCULAR DYSTROPHY 4 WITH VARIABLE FEATURES. Identifiers: Orphanet 261, MedGen C2751807, MONDO:0013071, OMIM 612998.

Allele frequency attached by ClinVar (database versions not stated): gnomAD exomes below 0.00001 and 0.00001; gnomAD 0.00001; TOPMed 0.00001.
gnomAD v4.1: 7 of 1,613,926 alleles (0.00043%); highest among the groups gnomAD compares: Admixed American, 0.012%; no homozygotes.

Submission:

Labcorp Genetics (formerly Invitae), Labcorp
Classification: Uncertain significance for Emery-Dreifuss muscular dystrophy 4, autosomal dominant; Autosomal recessive ataxia, Beauce type. Last evaluated: 2022-08-09. Review status: criteria provided, single submitter. Criteria: Invitae Variant Classification Sherloc (09022015). Collection method: clinical testing. Allele origin: germline.
Comment: This variant has not been reported in the literature in individuals affected with SYNE1-related conditions. This variant is present in population databases (no rsID available, gnomAD 0.003%). This sequence change replaces threonine, which is neutral and polar, with proline, which is neutral and non-polar, at codon 774 of the SYNE1 protein (p.Thr774Pro). ClinVar contains an entry for this variant (Variation ID: 646978). In summary, the available evidence is currently insufficient to determine the role of this variant in disease. Therefore, it has been classified as a Variant of Uncertain Significance. Algorithms developed to predict the effect of missense changes on protein structure and function are either unavailable or do not agree on the potential impact of this missense change (SIFT: "Deleterious"; PolyPhen-2: "Possibly Damaging"; Align-GVGD: "Class C0").

NM_182961.4(SYNE1):c.2299A>C (p.Thr767Pro)

Gene: SYNE1 (spectrin repeat containing nuclear envelope protein 1; minus strand). Cytogenetic location: 6q25.2.
Variant type: single nucleotide variant.
Coding change: c.2299A>C on transcript NM_182961.4 (MANE Select); coding-DNA position 2299, A replaced by C.
Protein change: p.Thr767Pro; replaces threonine 767 with proline.
Molecular consequence: missense variant.
Genome position (GRCh38, 1-based): chr6:152,461,692, T>G on the plus strand (A>C on the coding strand, the complement: SYNE1 is on the minus strand). VCF-style: chr6-152461692-T-G. GRCh37 (hg19) VCF-style: chr6-152782827-T-G.
Other names: c.2320A>C, p.Thr774Pro (NM_033071.5); short protein forms T767P, T774P.
Identifiers: ClinVar variation 646978 (VCV000646978.6), dbSNP rs1350005154, ClinGen allele CA366121002.
Genomic context (GRCh38, chr6:152,461,692, plus strand): 5'-CAAACATTTCTTTTCCTTCTTCTTGGGGGCTTTCTTTGGTAATGAGGTGTGCTGTCTTTG[T>G]AATTATCTTGTATTGGGCATCCATCACAGGCACCCTCTGCTCAATATCCTGCATGAATCA-3'
Protein context (NP_892006.3, residues 757-777): PVMDAQYKII[Thr767Pro]KTAHLITKES